The following is an entry in ClinVar:

NM_000487.6(ARSA):c.418del (p.His140fs)

Gene: ARSA (arylsulfatase A; minus strand). Cytogenetic location: 22q13.33.
Variant type: Deletion.
Coding change: c.418del on transcript NM_000487.6 (MANE Select); coding-DNA position 418, one base deleted (C; older notation c.418delC).
Protein change: p.His140fs; shifts the reading frame from histidine 140.
Molecular consequence: frameshift variant.
Genome position (GRCh38, 1-based): chr22:50,627,213, G deleted on the plus strand (C on the coding strand, the reverse complement: ARSA is on the minus strand); the first of 7 consecutive G bases (chr22:50,627,213-50,627,219); deleting any one gives the same sequence. VCF-style (leftmost placement, unchanged base first): chr22-50627212-TG-T. GRCh37 (hg19) VCF-style: chr22-51065640-TG-T.
Other names: c.418del, p.His140fs (NM_001085425.3, NM_001085426.3, NM_001085427.3); c.160del, p.His54fs (NM_001085428.3, NM_001362782.2); c.418delC (NM_000487.5); c.418del (NM_000487.5); short protein forms H140fs, H54fs.
Identifiers: ClinVar variation 370472 (VCV000370472.13), dbSNP rs745884435, ClinGen allele CA10325036.

ClinVar aggregate classification (germline): Conflicting classifications of pathogenicity. Review status: criteria provided, conflicting classifications (1 of 4 stars). 5 submissions from 5 submitters: Pathogenic (3); Uncertain significance (1). 1 of the submissions does not count toward it. Last evaluated 2025-07-14.

Conditions:
Metachromatic leukodystrophy (MLD). Also called: Cerebral sclerosis diffuse metachromatic form; Arylsulfatase A Deficiency; SULFATIDE LIPIDOSIS; CEREBROSIDE SULFATASE DEFICIENCY; METACHROMATIC LEUKOENCEPHALOPATHY; ARSA DEFICIENCY. Identifiers: Orphanet 512, MedGen C0023522, MONDO:0018868, OMIM 250100.

Submissions (5):

GeneDx
Classification: Pathogenic. Last evaluated: 2025-07-14. Review status: criteria provided, single submitter. Criteria: GeneDx Variant Classification Process June 2021. Collection method: clinical testing. Allele origin: germline. Affected: yes.
Comment: Observed with a second variant in ARSA in a patient with features suggestive of a neuroinflammatory disorder; the phase of these variants and detailed clinical information was not reported (PMID: 31664448); Frameshift variant predicted to result in protein truncation or nonsense mediated decay in a gene for which loss of function is a known mechanism of disease; Not observed at significant frequency in large population cohorts (gnomAD); This variant is associated with the following publications: (PMID: 31664448)

Myriad Genetics, Inc.
Classification: Pathogenic for Metachromatic leukodystrophy. Last evaluated: 2025-03-31. Review status: criteria provided, single submitter. Criteria: Myriad Autosomal Dominant, Autosomal Recessive and X-Linked Classification Criteria (2023). Collection method: clinical testing. Allele origin: unknown.
Comment: NM_000487.5(ARSA):c.418delC(H140Ifs*8) is a frameshift variant classified as pathogenic in the context of metachromatic leukodystrophy. H140Ifs*8 has been observed in a case with relevant disease (PMID: 31664448). Relevant functional assessments of this variant are available in the literature (PMID: 35857900). H140Ifs*8 has been observed in referenced population frequency databases. In summary, NM_000487.5(ARSA):c.418delC(H140Ifs*8) is a frameshift variant in a gene where loss of function is a known mechanism of disease, is predicted to disrupt protein function, and has been observed more frequently in cases with the relevant disease than in healthy populations. Please note: this variant was assessed in the context of healthy population screening.

Genomic Medicine Center of Excellence, King Faisal Specialist Hospital and Research Centre
Classification: Uncertain significance for Metachromatic leukodystrophy. Last evaluated: 2024-03-25. Review status: criteria provided, single submitter. Criteria: ACMG Guidelines, 2015. Collection method: clinical testing. Allele origin: germline.

Labcorp Genetics (formerly Invitae), Labcorp
Classification: Pathogenic for Metachromatic leukodystrophy. Last evaluated: 2023-09-08. Review status: criteria provided, single submitter. Criteria: Invitae Variant Classification Sherloc (09022015). Collection method: clinical testing. Allele origin: germline.
Comment: This sequence change creates a premature translational stop signal (p.His140Ilefs*8) in the ARSA gene. It is expected to result in an absent or disrupted protein product. Loss-of-function variants in ARSA are known to be pathogenic (PMID: 8962139, 10477432). The frequency data for this variant in the population databases is considered unreliable, as metrics indicate poor data quality at this position in the gnomAD database. This premature translational stop signal has been observed in individual(s) with metachromatic leukodystrophy (PMID: 31664448). This variant is also known as c.412del, p.His140fs. ClinVar contains an entry for this variant (Variation ID: 370472). For these reasons, this variant has been classified as Pathogenic.

Counsyl
Classification: Likely pathogenic for Metachromatic leukodystrophy. Last evaluated: 2016-02-16. Review status: no assertion criteria provided. Collection method: clinical testing. Allele origin: unknown. Not counted in ClinVar's aggregate classification.

Literature cited by the submitters: PubMed 31664448 (cited by Myriad Genetics, Inc. and Labcorp Genetics (formerly Invitae), Labcorp); PubMed 35857900 (cited by Myriad Genetics, Inc.); PubMed 8962139 (cited by Labcorp Genetics (formerly Invitae), Labcorp); PubMed 10477432 (cited by Labcorp Genetics (formerly Invitae), Labcorp).